The following is an entry in ClinVar:

NM_004991.4(MECOM):c.2039G>A (p.Gly680Glu)

Gene: MECOM (MDS1 and EVI1 complex locus; minus strand). Cytogenetic location: 3q26.2.
Variant type: single nucleotide variant.
Coding change: c.2039G>A on transcript NM_004991.4 (MANE Select); coding-DNA position 2039, G replaced by A.
Protein change: p.Gly680Glu; replaces glycine 680 with glutamic acid.
Molecular consequence: missense variant. On other transcripts: intron variant (2).
Genome position (GRCh38, 1-based): chr3:169,115,833, C>T on the plus strand (G>A on the coding strand, the complement: MECOM is on the minus strand). VCF-style: chr3-169115833-C-T. GRCh37 (hg19) VCF-style: chr3-168833621-C-T.
Other names: c.1670G>A, p.Gly557Glu (NM_001105077.4); c.1475G>A, p.Gly492Glu (NM_001105078.4, NM_001164000.2, NM_001205194.2 and 4 more transcripts); c.1478G>A, p.Gly493Glu (NM_001163999.2, NM_001366467.2, NM_001366468.2 and 1 more transcripts); c.2039G>A, p.Gly680Glu (NM_001366466.2); c.1133-66G>A (NM_001366473.2); c.569-66G>A (NM_001366474.2); short protein forms G492E, G493E, G680E, G557E.
Identifiers: ClinVar variation 4624624 (VCV004624624.1).

ClinVar aggregate classification (germline): Uncertain significance (1 of 4 stars; one submission).

Conditions:
Inborn genetic diseases. Identifiers: MedGen C0950123, MeSH D030342.

gnomAD v4.1: 1 of 1,613,846 alleles (0.000062%); highest among the groups gnomAD compares: Non-Finnish European, 0.000085%; no homozygotes.

Submission:

Ambry Genetics
Classification: Uncertain significance for Inborn genetic diseases. Last evaluated: 2025-10-03. Review status: criteria provided, single submitter. Criteria: Ambry Variant Classification Scheme 2023. Collection method: clinical testing. Allele origin: germline.
Comment: The p.G680E variant (also known as c.2039G>A), located in coding exon 8 of the MECOM gene, results from a G to A substitution at nucleotide position 2039. The glycine at codon 680 is replaced by glutamic acid, an amino acid with similar properties. This amino acid position is conserved. In addition, the in silico prediction for this alteration is inconclusive. Based on the available evidence, the clinical significance of this variant remains unclear.